The following is an entry in ClinVar:

NM_004360.5(CDH1):c.215A>G (p.Asp72Gly)

Gene: CDH1 (cadherin 1; plus strand). Cytogenetic location: 16q22.1.
Variant type: single nucleotide variant.
Coding change: c.215A>G on transcript NM_004360.5 (MANE Select); coding-DNA position 215, A replaced by G.
Protein change: p.Asp72Gly; replaces aspartic acid 72 with glycine.
Molecular consequence: missense variant. On other transcripts: 5 prime UTR variant (2).
Genome position (GRCh38, 1-based): chr16:68,801,721, A>G. VCF-style: chr16-68801721-A-G. GRCh37 (hg19) VCF-style: chr16-68835624-A-G.
Other names: c.215A>G, p.Asp72Gly (NM_001317184.2); c.-1401A>G (NM_001317185.2); c.-1605A>G (NM_001317186.2); short protein forms D72G.
Identifiers: ClinVar variation 2775025 (VCV002775025.2), dbSNP rs2152126684, ClinGen allele CA396457177.

ClinVar aggregate classification (germline): Uncertain significance (1 of 4 stars; one submission).

Conditions:
Hereditary cancer-predisposing syndrome. Also called: Neoplastic Syndromes, Hereditary; Tumor predisposition; Hereditary Cancer Syndrome; Hereditary neoplastic syndrome. Identifiers: Orphanet 140162, MedGen C0027672, MeSH D009386, MONDO:0015356.

Allele frequency attached by ClinVar (database versions not stated): gnomAD exomes below 0.00001.
gnomAD v4.1: 2 of 1,614,124 alleles (0.00012%); highest among the groups gnomAD compares: Non-Finnish European, 0.00017%; no homozygotes.

Submission:

Color Diagnostics, LLC DBA Color Health
Classification: Uncertain significance for Hereditary cancer-predisposing syndrome. Last evaluated: 2023-04-11. Review status: criteria provided, single submitter. Criteria: ACMG Guidelines, 2015. Collection method: clinical testing. Allele origin: germline.
Comment: This missense variant replaces aspartic acid with glycine at codon 72 of the CDH1 protein. To our knowledge, functional studies have not been reported for this variant. This variant has not been reported in individuals affected with CDH1-related disorders in the literature. This variant has not been identified in the general population by the Genome Aggregation Database (gnomAD). The available evidence is insufficient to determine the role of this variant in disease conclusively. Therefore, this variant is classified as a Variant of Uncertain Significance.